The following is an entry in ClinVar:

NM_003718.5(CDK13):c.1699G>C (p.Glu567Gln)

Gene: CDK13 (cyclin dependent kinase 13; plus strand). Cytogenetic location: 7p14.1.
Variant type: single nucleotide variant.
Coding change: c.1699G>C on transcript NM_003718.5 (MANE Select); coding-DNA position 1699, G replaced by C.
Protein change: p.Glu567Gln; replaces glutamic acid 567 with glutamine.
Molecular consequence: missense variant.
Genome position (GRCh38, 1-based): chr7:39,988,086, G>C. VCF-style: chr7-39988086-G-C. GRCh37 (hg19) VCF-style: chr7-40027685-G-C.
Other names: c.1699G>C, p.Glu567Gln (NM_031267.4); short protein forms E567Q.
Identifiers: ClinVar variation 3573846 (VCV003573846.1).
Genomic context (GRCh38, chr7:39,988,086, plus strand): 5'-AAGGTGGAAAATAATTTGATTGTAGATAAAGCCACCAAGAAAGCAGTCATAGTTGGAAAG[G>C]AGAGTAAATCTGCTGCTACAAAGGAGGAATCAGTATCTCTTAAAGAGAAAACCAAACCAC-3'
Protein context (NP_003709.3, residues 557-577): ATKKAVIVGK[Glu567Gln]SKSAATKEES

ClinVar aggregate classification (germline): Uncertain significance (1 of 4 stars; one submission).

Submission:

GeneDx
Classification: Uncertain significance. Last evaluated: 2024-07-18. Review status: criteria provided, single submitter. Criteria: GeneDx Variant Classification Process June 2021. Collection method: clinical testing. Allele origin: germline. Affected: yes.
Comment: Not observed at significant frequency in large population cohorts (gnomAD); In silico analysis indicates that this missense variant does not alter protein structure/function; Has not been previously published as pathogenic or benign to our knowledge